The following is an entry in ClinVar:

ClinVar aggregate classification (germline): Conflicting classifications of pathogenicity. Review status: criteria provided, conflicting classifications (1 of 4 stars). 9 submissions from 9 submitters: Uncertain significance (1); Likely benign (5). 3 of the submissions do not count toward it. Last evaluated 2026-04-08.

Conditions:
C8A-related disorder. Also called: C8A-related condition.
Type I complement component 8 deficiency. Also called: C8AG DEFICIENCY; C8 ALPHA-GAMMA DEFICIENCY; COMPLEMENT C8 DEFICIENCY, TYPE I. Identifiers: MedGen C3151081, MONDO:0013422, OMIM 613790.

Allele frequency attached by ClinVar (database versions not stated): 1000 Genomes Project 0.00140; 1000 Genomes Project 30x 0.00187; TOPMed 0.00306; gnomAD 0.00325 and 0.00334; gnomAD exomes 0.00358; ExAC 0.00404; ESP Exome Variant Server 0.00408.
gnomAD v4.1: 5,625 of 1,614,134 alleles (0.35%); highest among the groups gnomAD compares: Non-Finnish European, 0.39%; 12 homozygotes.

Submissions (9):

Women's Health and Genetics/Laboratory Corporation of America, LabCorp
Classification: Likely benign. Last evaluated: 2026-04-08. Review status: criteria provided, single submitter. Criteria: LabCorp Variant Classification Summary - May 2015. Collection method: clinical testing. Allele origin: germline.
Comment: Variant summary: C8A c.1331G>A (p.Arg444His) results in a non-conservative amino acid change in the encoded protein sequence. Algorithms developed to predict the effect of missense changes on protein structure and function all suggest that this variant is likely to be disruptive. The variant allele was found at a frequency of 0.0036 in 251470 control chromosomes, predominantly at a frequency of 0.0054 within the Non-Finnish European subpopulation in the gnomAD database, including 1 homozygotes. The observed variant frequency within Non-Finnish European control individuals in the gnomAD database exceeds the estimated maximal expected allele frequency for disease-causing variants in C8A. To our knowledge, no occurrence of c.1331G>A in individuals affected with C8A-related conditions and no experimental evidence demonstrating its impact on protein function have been reported. ClinVar contains an entry for this variant (Variation ID: 789429). Based on the evidence outlined above, the variant was classified as likely benign.

Labcorp Genetics (formerly Invitae), Labcorp
Classification: Likely benign. Last evaluated: 2026-01-30. Review status: criteria provided, single submitter. Criteria: Invitae Variant Classification Sherloc (09022015). Collection method: clinical testing. Allele origin: germline.

Mayo Clinic Laboratories, Mayo Clinic
Classification: Uncertain significance. Last evaluated: 2025-12-16. Review status: criteria provided, single submitter. Criteria: ACMG Guidelines, 2015. Collection method: clinical testing. Allele origin: germline. Observed: 1 variant allele.
Comment: BS1, PP3_moderate

Blueprint Genetics
Classification: Likely benign. Last evaluated: 2024-11-26. Review status: criteria provided, single submitter. Criteria: ACMG Guidelines, 2015. Collection method: clinical testing. Allele origin: germline.

Fulgent Genetics
Classification: Likely benign for Type I complement component 8 deficiency. Last evaluated: 2022-04-25. Review status: criteria provided, single submitter. Criteria: ACMG Guidelines, 2015. Collection method: clinical testing. Allele origin: unknown.

Breakthrough Genomics
Classification: Likely benign. Review status: criteria provided, single submitter. Criteria: ACMG Guidelines, 2015. Collection method: not provided. Allele origin: germline. Inheritance: Autosomal recessive inheritance. Affected: yes.

PreventionGenetics, part of Exact Sciences
Classification: Likely benign for C8A-related condition. Last evaluated: 2022-05-11. Review status: no assertion criteria provided. Collection method: clinical testing. Allele origin: germline. Not counted in ClinVar's aggregate classification.
Comment: This variant is classified as likely benign based on ACMG/AMP sequence variant interpretation guidelines (Richards et al. 2015 PMID: 25741868, with internal and published modifications).

Clinical Genetics DNA and cytogenetics Diagnostics Lab, Erasmus MC, Erasmus Medical Center
Classification: Uncertain significance. Review status: no assertion criteria provided. Collection method: clinical testing. Allele origin: germline. Affected: yes. Study: VKGL Data-share Consensus. Not counted in ClinVar's aggregate classification.

Joint Genome Diagnostic Labs from Nijmegen and Maastricht, Radboudumc and MUMC+
Classification: Uncertain significance. Review status: no assertion criteria provided. Collection method: clinical testing. Allele origin: germline. Affected: yes. Study: VKGL Data-share Consensus. Not counted in ClinVar's aggregate classification.

Literature cited by the submitters: PubMed 24029428 (cited by Mayo Clinic Laboratories, Mayo Clinic); PubMed 38096369 (cited by Mayo Clinic Laboratories, Mayo Clinic).

NM_000562.3(C8A):c.1331G>A (p.Arg444His)

Gene: C8A (complement C8 alpha chain; plus strand). Cytogenetic location: 1p32.2.
Variant type: single nucleotide variant.
Coding change: c.1331G>A on transcript NM_000562.3 (MANE Select); coding-DNA position 1331, G replaced by A.
Protein change: p.Arg444His; replaces arginine 444 with histidine.
Molecular consequence: missense variant.
Genome position (GRCh38, 1-based): chr1:56,908,064, G>A. VCF-style: chr1-56908064-G-A. GRCh37 (hg19) VCF-style: chr1-57373737-G-A.
Other names: p.Arg444His; short protein forms R444H.
Identifiers: ClinVar variation 789429 (VCV000789429.21), dbSNP rs143908758, ClinGen allele CA875333.
Genomic context (GRCh38, chr1:56,908,064, plus strand): 5'-GAGGTGGCAGTTCTGGCTGGAGCGGTGGCTTGGCACAGAACAGGAGCACCATTACATACC[G>A]TTCCTGGGGGAGGTCATTAAAGTATAATCCTGTTGTTATCGATTTTGAGGTAAGTCTTTT-3'
Protein context (NP_000553.1, residues 434-454): LAQNRSTITY[Arg444His]SWGRSLKYNP